The following is an entry in ClinVar:

NM_058246.4(DNAJB6):c.814G>T (p.Ala272Ser)

Gene: DNAJB6 (DnaJ heat shock protein family (Hsp40) member B6; plus strand). Cytogenetic location: 7q36.3.
Variant type: single nucleotide variant.
Coding change: c.814G>T on transcript NM_058246.4 (MANE Select); coding-DNA position 814, G replaced by T.
Protein change: p.Ala272Ser; replaces alanine 272 with serine.
Molecular consequence: missense variant.
Genome position (GRCh38, 1-based): chr7:157,409,917, G>T. VCF-style: chr7-157409917-G-T. GRCh37 (hg19) VCF-style: chr7-157202611-G-T.
Other names: c.469G>T, p.Ala157Ser (NM_001363676.1); short protein forms A157S, A272S.
Identifiers: ClinVar variation 1058984 (VCV001058984.9), dbSNP rs1795912727, ClinGen allele CA370167383.

ClinVar aggregate classification (germline): Uncertain significance (1 of 4 stars; one submission).

Conditions:
Autosomal dominant limb-girdle muscular dystrophy type 1D (DNAJB6) (LGMDD1). Also called: MUSCULAR DYSTROPHY, LIMB-GIRDLE, TYPE 1D; MUSCULAR DYSTROPHY, AUTOSOMAL DOMINANT, WITH RIMMED VACUOLES; Autosomal dominant limb-girdle muscular dystrophy type 1D; Muscular dystrophy, limb-girdle, autosomal dominant 1. Identifiers: Orphanet 34516, MedGen C4721885, MONDO:0021018, OMIM 603511.

Submission:

Labcorp Genetics (formerly Invitae), Labcorp
Classification: Uncertain significance for Autosomal dominant limb-girdle muscular dystrophy type 1D (DNAJB6). Last evaluated: 2020-05-06. Review status: criteria provided, single submitter. Criteria: Invitae Variant Classification Sherloc (09022015). Collection method: clinical testing. Allele origin: germline.
Comment: In summary, the available evidence is currently insufficient to determine the role of this variant in disease. Therefore, it has been classified as a Variant of Uncertain Significance. Algorithms developed to predict the effect of missense changes on protein structure and function are either unavailable or do not agree on the potential impact of this missense change (SIFT: "Tolerated"; PolyPhen-2: "Not Available"; Align-GVGD: "Class C0"). This variant has not been reported in the literature in individuals with DNAJB6-related conditions. The frequency data for this variant in the population databases is considered unreliable, as metrics indicate insufficient coverage at this position in the ExAC database. This sequence change replaces alanine with serine at codon 272 of the DNAJB6 protein (p.Ala272Ser). The alanine residue is weakly conserved and there is a moderate physicochemical difference between alanine and serine.